The following is an entry in ClinVar:

NM_000256.3(MYBPC3):c.1585A>C (p.Thr529Pro)

Gene: MYBPC3 (myosin binding protein C3; minus strand). Cytogenetic location: 11p11.2.
Variant type: single nucleotide variant.
Coding change: c.1585A>C on transcript NM_000256.3 (MANE Select); coding-DNA position 1585, A replaced by C.
Protein change: p.Thr529Pro; replaces threonine 529 with proline.
Molecular consequence: missense variant.
Genome position (GRCh38, 1-based): chr11:47,342,617, T>G on the plus strand (A>C on the coding strand, the complement: MYBPC3 is on the minus strand). VCF-style: chr11-47342617-T-G. GRCh37 (hg19) VCF-style: chr11-47364168-T-G.
Other names: short protein forms T529P.
Identifiers: ClinVar variation 4732793 (VCV004732793.1).
Genomic context (GRCh38, chr11:47,342,617, plus strand): 5'-TGCCCCCCCAGCCAGGCTCACCCTGCACAATGAGCTCAGCCAGCGCCTGGCCCCCGCTAG[T>G]GCACAGTGCATAGTGCCCCGCGTCCTCCAGCATGGCCTCGTTGATGATCAGGTGGTGTCT-3'
Protein context (NP_000247.2, residues 519-539): LEDAGHYALC[Thr529Pro]SGGQALAELI

ClinVar aggregate classification (germline): Uncertain significance (1 of 4 stars; one submission).

Conditions:
Hypertrophic cardiomyopathy. Also called: HYPERTROPHIC MYOCARDIOPATHY. Identifiers: Orphanet 217569, MedGen C0007194, MeSH D002312, MONDO:0005045, HP:0001639.

Submission:

Labcorp Genetics (formerly Invitae), Labcorp
Classification: Uncertain significance for Hypertrophic cardiomyopathy. Last evaluated: 2025-12-17. Review status: criteria provided, single submitter. Criteria: Invitae Variant Classification Sherloc (09022015). Collection method: clinical testing. Allele origin: germline.
Comment: This sequence change replaces threonine, which is neutral and polar, with proline, which is neutral and non-polar, at codon 529 of the MYBPC3 protein (p.Thr529Pro). This variant is not present in population databases (gnomAD no frequency). This variant has not been reported in the literature in individuals affected with MYBPC3-related conditions. An algorithm developed to predict the effect of missense changes on protein structure and function (PolyPhen-2) suggests that this variant is likely to be tolerated. In summary, the available evidence is currently insufficient to determine the role of this variant in disease. Therefore, it has been classified as a Variant of Uncertain Significance.